The following is an entry in ClinVar:

ClinVar aggregate classification (germline): Uncertain significance (1 of 4 stars; one submission).

Conditions:
Wilson disease (WND). Also called: Wilson's disease. Identifiers: Orphanet 905, MedGen C0019202, MONDO:0010200, OMIM 277900. Disease mechanism: loss of function.

Submission:

Dr. Moinak Lab, Sanjay Gandhi Postgraduate Institute of Medical Sciences
Classification: Uncertain significance for Wilson disease. Last evaluated: 2024-10-26. Review status: criteria provided, single submitter. Criteria: ACMG Guidelines, 2015. Collection method: clinical testing. Allele origin: germline. Inheritance: Autosomal recessive inheritance. Affected: yes. Observed: 1 variant allele, 1 homozygote.
Comment: ATP7B:c.2522T>G is a novel variant involving a single nucleotide substitution from T to G in exon 10. This results in a non-synonymous change at codon 841, leading to the replacement of the amino acid Valine with Glycine (p.Val841Gly)

Literature cited by the submitters: PubMed 20301685.

NM_000053.4(ATP7B):c.2522T>G (p.Val841Gly)

Gene: ATP7B (ATPase copper transporting beta; minus strand). Cytogenetic location: 13q14.3.
Variant type: single nucleotide variant.
Coding change: c.2522T>G on transcript NM_000053.4 (MANE Select); coding-DNA position 2522, T replaced by G.
Protein change: p.Val841Gly; replaces valine 841 with glycine.
Molecular consequence: missense variant. On other transcripts: intron variant (1).
Genome position (GRCh38, 1-based): chr13:51,950,325, A>C on the plus strand (T>G on the coding strand, the complement: ATP7B is on the minus strand). VCF-style: chr13-51950325-A-C. GRCh37 (hg19) VCF-style: chr13-52524461-A-C.
Other names: c.2345T>G, p.Val782Gly (NM_001406524.1); c.2522T>G, p.Val841Gly (NM_001406525.1, NM_001406526.1, NM_001406515.1 and 7 more transcripts); c.2288T>G, p.Val763Gly (NM_001406527.1, NM_001406528.1, NM_001406534.1 and 2 more transcripts); c.2282T>G, p.Val761Gly (NM_001406530.1); c.2270T>G, p.Val757Gly (NM_001406531.1, NM_001406532.1, NM_001330579.2 and 1 more transcripts); c.1874T>G, p.Val625Gly (NM_001406545.1, NM_001406547.1); c.2036T>G, p.Val679Gly (NM_001406546.1, NM_001005918.3, NM_001406541.1 and 1 more transcripts); c.1286-164T>G (NM_001406548.1); and 8 more; short protein forms V730G, V830G, V625G, V698G, V725G, V761G, V647G, V731G.
Identifiers: ClinVar variation 3780967 (VCV003780967.1).